The following is an entry in ClinVar:

NM_000329.3(RPE65):c.1147T>A (p.Leu383Ile)

Gene: RPE65 (retinoid isomerohydrolase RPE65; minus strand). Cytogenetic location: 1p31.3.
Variant type: single nucleotide variant.
Coding change: c.1147T>A on transcript NM_000329.3 (MANE Select); coding-DNA position 1147, T replaced by A.
Protein change: p.Leu383Ile; replaces leucine 383 with isoleucine.
Molecular consequence: missense variant.
Genome position (GRCh38, 1-based): chr1:68,431,567, A>T on the plus strand (T>A on the coding strand, the complement: RPE65 is on the minus strand). VCF-style: chr1-68431567-A-T. GRCh37 (hg19) VCF-style: chr1-68897250-A-T.
Other names: c.1039T>A, p.Leu347Ile (NM_001406853.1); c.871T>A, p.Leu291Ile (NM_001406856.1, NM_001406857.1); short protein forms L291I, L347I, L383I.
Identifiers: ClinVar variation 3763200 (VCV003763200.2).

ClinVar aggregate classification (germline): Uncertain significance (1 of 4 stars; one submission).

Conditions:
Leber congenital amaurosis 2 (LCA2). Also called: Autosomal Recessive RPE65-Related Retinal Degeneration; AMAUROSIS CONGENITA OF LEBER II. Identifiers: Orphanet 65, MedGen C1859844, MONDO:0008765, OMIM 204100. Disease mechanism: loss of function.
Retinitis pigmentosa 20 (RP20). Identifiers: Orphanet 791, MedGen C3151086, MONDO:0013425, OMIM 613794.

Submission:

Labcorp Genetics (formerly Invitae), Labcorp
Classification: Uncertain significance for Leber congenital amaurosis 2; Retinitis pigmentosa 20. Last evaluated: 2024-09-15. Review status: criteria provided, single submitter. Criteria: Invitae Variant Classification Sherloc (09022015). Collection method: clinical testing. Allele origin: germline.
Comment: This sequence change replaces leucine, which is neutral and non-polar, with isoleucine, which is neutral and non-polar, at codon 383 of the RPE65 protein (p.Leu383Ile). This variant is not present in population databases (gnomAD no frequency). This variant has not been reported in the literature in individuals affected with RPE65-related conditions. Invitae Evidence Modeling of protein sequence and biophysical properties (such as structural, functional, and spatial information, amino acid conservation, physicochemical variation, residue mobility, and thermodynamic stability) has been performed for this missense variant. However, the output from this modeling did not meet the statistical confidence thresholds required to predict the impact of this variant on RPE65 protein function. In summary, the available evidence is currently insufficient to determine the role of this variant in disease. Therefore, it has been classified as a Variant of Uncertain Significance.